The following is an entry in ClinVar:

ClinVar aggregate classification (germline): Uncertain significance (1 of 4 stars; one submission).

Allele frequency attached by ClinVar (database versions not stated): gnomAD exomes below 0.00001.
gnomAD v4.1: 2 of 1,613,978 alleles (0.00012%); highest among the groups gnomAD compares: Admixed American, 0.0033%; no homozygotes.

Submission:

Labcorp Genetics (formerly Invitae), Labcorp
Classification: Uncertain significance. Last evaluated: 2023-10-25. Review status: criteria provided, single submitter. Criteria: Invitae Variant Classification Sherloc (09022015). Collection method: clinical testing. Allele origin: germline.
Comment: This sequence change replaces isoleucine, which is neutral and non-polar, with valine, which is neutral and non-polar, at codon 537 of the MCM5 protein (p.Ile537Val). This variant is present in population databases (no rsID available, gnomAD 0.003%). This variant has not been reported in the literature in individuals affected with MCM5-related conditions. Advanced modeling of protein sequence and biophysical properties (such as structural, functional, and spatial information, amino acid conservation, physicochemical variation, residue mobility, and thermodynamic stability) performed at Invitae indicates that this missense variant is not expected to disrupt MCM5 protein function with a negative predictive value of 80%. In summary, the available evidence is currently insufficient to determine the role of this variant in disease. Therefore, it has been classified as a Variant of Uncertain Significance.

NM_006739.4(MCM5):c.1609A>G (p.Ile537Val)

Gene: MCM5 (minichromosome maintenance complex component 5; plus strand). Cytogenetic location: 22q12.3.
Variant type: single nucleotide variant.
Coding change: c.1609A>G on transcript NM_006739.4 (MANE Select); coding-DNA position 1609, A replaced by G.
Protein change: p.Ile537Val; replaces isoleucine 537 with valine.
Molecular consequence: missense variant.
Genome position (GRCh38, 1-based): chr22:35,417,762, A>G. VCF-style: chr22-35417762-A-G. GRCh37 (hg19) VCF-style: chr22-35813755-A-G.
Other names: short protein forms I537V.
Identifiers: ClinVar variation 2801857 (VCV002801857.3), dbSNP rs1212515101, ClinGen allele CA411348551.
Genomic context (GRCh38, chr22:35,417,762, plus strand): 5'-GGACGGCCTGTGGGATGACCCATTATCCCCTCTGCTCTCCAGATGCTGGCCAAGCATGTC[A>G]TCACTCTGCACGTGAGCGCACTGACACAGACACAGGCTGTGGAGGGCGAGATTGACCTGG-3'
Protein context (NP_006730.2, residues 527-547): ERDVMLAKHV[Ile537Val]TLHVSALTQT